The following is an entry in ClinVar:

ClinVar aggregate classification (germline): Conflicting classifications of pathogenicity. Review status: criteria provided, conflicting classifications (1 of 4 stars). 4 submissions from 2 submitters: Uncertain significance (3); Likely benign (1). Last evaluated 2022-06-20.

Conditions:
Corticosterone methyloxidase type 2 deficiency. Also called: 18-OXIDASE DEFICIENCY; ALDOSTERONE DEFICIENCY DUE TO DEFICIENCY OF STEROID 18-OXIDASE; ALDOSTERONE DEFICIENCY II; CMO II DEFICIENCY; STEROID 18-OXIDASE DEFICIENCY. Identifiers: Orphanet 427, MedGen C3463917, MONDO:0012524, OMIM 610600. Disease mechanism: loss of function.
Corticosterone 18-monooxygenase deficiency. Also called: 18 Hydroxylase deficiency; Aldosterone deficiency due to defect in 18 hydroxylase; Aldosterone deficiency 1; 18 alpha hydroxylase deficiency; Corticosterone methyloxidase type 1 deficiency; CMO 1 deficiency. Identifiers: Orphanet 427, MedGen C0268293, MONDO:0008751, OMIM 203400. Disease mechanism: loss of function.
Glucocorticoid-remediable aldosteronism. Also called: Hyperaldosteronism, familial, type I; ACTH-DEPENDENT HYPERALDOSTERONISM SYNDROME; ALDOSTERONISM, SENSITIVE TO DEXAMETHASONE; FH I; GLUCOCORTICOID-SUPPRESSIBLE HYPERALDOSTERONISM. Identifiers: Orphanet 403, MedGen C3838731, MONDO:0007080, OMIM 103900.

Allele frequency attached by ClinVar (database versions not stated): TOPMed 0.00009.

Submissions (4):

Labcorp Genetics (formerly Invitae), Labcorp
Classification: Uncertain significance. Last evaluated: 2022-06-20. Review status: criteria provided, single submitter. Criteria: Invitae Variant Classification Sherloc (09022015). Collection method: clinical testing. Allele origin: germline.
Comment: This sequence change replaces arginine, which is basic and polar, with tryptophan, which is neutral and slightly polar, at codon 143 of the CYP11B2 protein (p.Arg143Trp). This variant is present in population databases (rs760339298, gnomAD 0.02%). This variant has not been reported in the literature in individuals affected with CYP11B2-related conditions. ClinVar contains an entry for this variant (Variation ID: 910599). Advanced modeling of protein sequence and biophysical properties (such as structural, functional, and spatial information, amino acid conservation, physicochemical variation, residue mobility, and thermodynamic stability) performed at Invitae indicates that this missense variant is not expected to disrupt CYP11B2 protein function. In summary, the available evidence is currently insufficient to determine the role of this variant in disease. Therefore, it has been classified as a Variant of Uncertain Significance.

Illumina Laboratory Services, Illumina
Classification: Uncertain significance for Corticosterone methyloxidase type 2 deficiency. Last evaluated: 2018-01-12. Review status: criteria provided, single submitter. Criteria: ICSL Variant Classification Criteria 13 December 2019. Collection method: clinical testing. Allele origin: germline.

Illumina Laboratory Services, Illumina
Classification: Uncertain significance for Corticosterone 18-monooxygenase deficiency. Last evaluated: 2018-01-12. Review status: criteria provided, single submitter. Criteria: ICSL Variant Classification Criteria 13 December 2019. Collection method: clinical testing. Allele origin: germline.

Illumina Laboratory Services, Illumina
Classification: Likely benign for Hyperaldosteronism, familial, type I. Last evaluated: 2018-01-12. Review status: criteria provided, single submitter. Criteria: ICSL Variant Classification Criteria 13 December 2019. Collection method: clinical testing. Allele origin: germline.
Comment: This variant was observed in the ICSL laboratory as part of a predisposition screen in an ostensibly healthy population. It had not been previously curated by ICSL or reported in the Human Gene Mutation Database (HGMD: prior to June 1st, 2018), and was therefore a candidate for classification through an automated scoring system. Utilizing variant allele frequency, disease prevalence and penetrance estimates, and inheritance mode, an automated score was calculated to assess if this variant is too frequent to cause the disease. Based on the score and internal cut-off values, a variant classified as likely benign is not then subjected to further curation. The score for this variant resulted in a classification of likely benign for this disease.

NM_000498.3(CYP11B2):c.427C>T (p.Arg143Trp)

Genes: CYP11B2 (cytochrome P450 family 11 subfamily B member 2; minus strand), LOC106799834 (CYP11B2 recombination region; plus strand). Cytogenetic location: 8q24.3.
Variant type: single nucleotide variant.
Coding change: c.427C>T on transcript NM_000498.3 (MANE Select); coding-DNA position 427, C replaced by T.
Protein change: p.Arg143Trp; replaces arginine 143 with tryptophan.
Molecular consequence: missense variant.
Genome position (GRCh38, 1-based): chr8:142,915,214, G>A on the plus strand (C>T on the coding strand, the complement: CYP11B2 is on the minus strand). VCF-style: chr8-142915214-G-A. GRCh37 (hg19) VCF-style: chr8-143996630-G-A.
Other names: short protein forms R143W.
Identifiers: ClinVar variation 910599 (VCV000910599.8), dbSNP rs760339298, ClinGen allele CA4906208.
Genomic context (GRCh38, chr8:142,915,214, plus strand): 5'-CATCCACCATCGGGAGGAACCTCTGCACGGCCTTGGGCGACAGCACATCTGGGTTCAGCC[G>A]CAATCGGTTGAAGCGCCATTCAGGCCCATTCCTACAGAGGCCAGGGCAGAGCTTGTGAGG-3'
Protein context (NP_000489.3, residues 133-153): NGPEWRFNRL[Arg143Trp]LNPDVLSPKA